The following is an entry in ClinVar:

ClinVar aggregate classification (germline): Uncertain significance (1 of 4 stars; one submission).

Conditions:
Biotin-responsive basal ganglia disease (BTBGD). Also called: Thiamine Transporter-2 Deficiency; THIAMINE METABOLISM DYSFUNCTION SYNDROME 2 (BIOTIN- AND THIAMINE-RESPONSIVE TYPE); Thiamine metabolism dysfunction syndrome type 2; Thiamine metabolism dysfunction syndrome 2 (biotin- or thiamine-responsive encephalopathy type 2); thiamine-responsive encephalopathy. Identifiers: Orphanet 199348, Orphanet 65284, MedGen C1843807, MONDO:0011841, OMIM 607483.

Allele frequency attached by ClinVar (database versions not stated): gnomAD exomes below 0.00001; gnomAD 0.00001; TOPMed 0.00002.

Submission:

Labcorp Genetics (formerly Invitae), Labcorp
Classification: Uncertain significance for Biotin-responsive basal ganglia disease. Last evaluated: 2021-12-29. Review status: criteria provided, single submitter. Criteria: Invitae Variant Classification Sherloc (09022015). Collection method: clinical testing. Allele origin: germline.
Comment: This variant is present in population databases (no rsID available, gnomAD 0.0009%). This sequence change results in a frameshift in the SLC19A3 gene (p.Met458Ilefs*55). While this is not anticipated to result in nonsense mediated decay, it is expected to disrupt the last 39 amino acid(s) of the SLC19A3 protein and extend the protein by 15 additional amino acid residues. This variant has not been reported in the literature in individuals affected with SLC19A3-related conditions. In summary, the available evidence is currently insufficient to determine the role of this variant in disease. Therefore, it has been classified as a Variant of Uncertain Significance. Experimental studies and prediction algorithms are not available or were not evaluated, and the functional significance of this variant is currently unknown. ClinVar contains an entry for this variant (Variation ID: 1004108).

NM_025243.4(SLC19A3):c.1374del (p.Met458fs)

Gene: SLC19A3 (solute carrier family 19 member 3; minus strand). Cytogenetic location: 2q36.3.
Variant type: Deletion.
Coding change: c.1374del on transcript NM_025243.4 (MANE Select); coding-DNA position 1374, one base deleted (G; older notation c.1374delG).
Protein change: p.Met458fs; shifts the reading frame from methionine 458.
Molecular consequence: frameshift variant.
Genome position (GRCh38, 1-based): chr2:227,687,514, C deleted on the plus strand (G on the coding strand, the reverse complement: SLC19A3 is on the minus strand). VCF-style (leftmost placement, unchanged base first): chr2-227687513-AC-A. GRCh37 (hg19) VCF-style: chr2-228552229-AC-A.
Other names: c.1374del, p.Met458fs (NM_001371411.1, NM_001371412.1); c.1362del, p.Met454fs (NM_001371413.1, NM_001371414.1); short protein forms M454fs, M458fs.
Identifiers: ClinVar variation 1004108 (VCV001004108.7), dbSNP rs1406230125, ClinGen allele CA540306945.